The following is an entry in ClinVar:

ClinVar aggregate classification (germline): Uncertain significance (1 of 4 stars; one submission).

Conditions:
Hereditary cancer-predisposing syndrome. Also called: Tumor predisposition; Neoplastic Syndromes, Hereditary; Hereditary Cancer Syndrome; Hereditary neoplastic syndrome. Identifiers: Orphanet 140162, MedGen C0027672, MeSH D009386, MONDO:0015356.

Submission:

Ambry Genetics
Classification: Uncertain significance for Hereditary cancer-predisposing syndrome. Last evaluated: 2018-06-29. Review status: criteria provided, single submitter. Criteria: Ambry Variant Classification Scheme 2023. Collection method: clinical testing. Allele origin: germline.
Comment: The p.M2531I variant (also known as c.7593G>T), located in coding exon 50 of the ATM gene, results from a G to T substitution at nucleotide position 7593. The methionine at codon 2531 is replaced by isoleucine, an amino acid with highly similar properties. This amino acid position is not well conserved in available vertebrate species. In addition, this alteration is predicted to be tolerated by in silico analysis. Since supporting evidence is limited at this time, the clinical significance of this alteration remains unclear.

NM_000051.4(ATM):c.7593G>T (p.Met2531Ile)

Genes: ATM (ATM serine/threonine kinase; plus strand), C11orf65 (chromosome 11 open reading frame 65; minus strand). Cytogenetic location: 11q22.3.
Variant type: single nucleotide variant.
Coding change: c.7593G>T on transcript NM_000051.4 (MANE Select); coding-DNA position 7593, G replaced by T.
Protein change: p.Met2531Ile; replaces methionine 2531 with isoleucine.
Molecular consequence: missense variant. On other transcripts: non-coding transcript variant (1), intron variant (2).
Genome position (GRCh38, 1-based): chr11:108,331,521, G>T. VCF-style: chr11-108331521-G-T. GRCh37 (hg19) VCF-style: chr11-108202248-G-T.
Other names: c.7593G>T, p.Met2531Ile (NM_001351834.2); c.641-22450C>A (NM_001330368.2); c.*38+3699C>A (NM_001351110.2); short protein forms M2531I.
Identifiers: ClinVar variation 827140 (VCV000827140.6), dbSNP rs786203764, ClinGen allele CA382560797.
Genomic context (GRCh38, chr11:108,331,521, plus strand): 5'-TCCAACATATAAATTTTTGCCTCTTATGTACCAATTGGCTGCTAGAATGGGGACCAAGAT[G>T]ATGGGAGGCCTAGGATTTCATGAAGTCCTCAATAATGTAAGTAAACCTGAAAATCAAACC-3'
Protein context (NP_000042.3, residues 2521-2541): YQLAARMGTK[Met2531Ile]MGGLGFHEVL